The following is an entry in ClinVar:

NM_001035.3(RYR2):c.4246G>A (p.Asp1416Asn)

Gene: RYR2 (ryanodine receptor 2; plus strand). Cytogenetic location: 1q43.
Variant type: single nucleotide variant.
Coding change: c.4246G>A on transcript NM_001035.3 (MANE Select); coding-DNA position 4246, G replaced by A.
Protein change: p.Asp1416Asn; replaces aspartic acid 1416 with asparagine.
Molecular consequence: missense variant.
Genome position (GRCh38, 1-based): chr1:237,591,824, G>A. VCF-style: chr1-237591824-G-A. GRCh37 (hg19) VCF-style: chr1-237755124-G-A.
Other names: short protein forms D1416N.
Identifiers: ClinVar variation 923321 (VCV000923321.3), dbSNP rs1675234680, ClinGen allele CA345398831.

ClinVar aggregate classification (germline): Uncertain significance (1 of 4 stars; one submission).

Conditions:
Cardiomyopathy (CMYO). Also called: Cardiomyopathies. Identifiers: Orphanet 167848, MedGen C0878544, MONDO:0004994, HP:0001638. Inheritance: Various modes of inheritance.

Allele frequency attached by ClinVar (database versions not stated): TOPMed below 0.00001.

Submission:

Color Diagnostics, LLC DBA Color Health
Classification: Uncertain significance for Cardiomyopathy. Last evaluated: 2019-10-22. Review status: criteria provided, single submitter. Criteria: ACMG Guidelines, 2015. Collection method: clinical testing. Allele origin: germline.
Comment: This missense variant replaces aspartic acid with asparagine at codon 1416 of the RYR2 protein. Computational prediction tool suggests that this variant may not impact protein structure and function (internally defined REVEL score threshold ≤0.5, PMID: 27666373). Splice site prediction tools suggest that this variant may not impact RNA splicing. To our knowledge, functional studies have not been performed for this variant. This variant has not been reported in individuals affected with cardiovascular disorders in the literature. This variant has not been identified in the general population by the Genome Aggregation Database (gnomAD). The available evidence is insufficient to determine the role of this variant in disease conclusively. Therefore, this variant is classified as a Variant of Uncertain Significance.